The following is an entry in ClinVar:

ClinVar aggregate classification (germline): Uncertain significance (1 of 4 stars; one submission).

gnomAD v4.1: 3 of 1,613,966 alleles (0.00019%); highest among the groups gnomAD compares: African/African-American, 0.0013%; no homozygotes.

Submission:

Dasa
Classification: Uncertain significance. Last evaluated: 2025-01-07. Review status: criteria provided, single submitter. Criteria: DASA Assertion Criteria. Collection method: clinical testing. Allele origin: germline.
Comment: NM_005562.3(LAMC2):c.952A>G (p.Arg318Gly) is a missense variant that results in the substitution of arginine with glycine. This variant is rare in population databases. Computational prediction algorithms are consistent with a deleterious effect. The currently available literature and clinical evidence are not sufficient to establish a definitive association between this variant and the reported condition. Therefore, this variant is classified as a variant of uncertain significance.

NM_005562.3(LAMC2):c.952A>G (p.Arg318Gly)

Gene: LAMC2 (laminin subunit gamma 2; plus strand). Cytogenetic location: 1q25.3.
Variant type: single nucleotide variant.
Coding change: c.952A>G on transcript NM_005562.3 (MANE Select); coding-DNA position 952, A replaced by G.
Protein change: p.Arg318Gly; replaces arginine 318 with glycine.
Molecular consequence: missense variant.
Genome position (GRCh38, 1-based): chr1:183,223,323, A>G. VCF-style: chr1-183223323-A-G. GRCh37 (hg19) VCF-style: chr1-183192458-A-G.
Other names: c.952A>G, p.Arg318Gly (NM_018891.3); short protein forms R318G.
Identifiers: ClinVar variation 4885167 (VCV004885167.2).
Genomic context (GRCh38, chr1:183,223,323, plus strand): 5'-GCTCCCTTGATGCCACTTGGCAAGACACTGCCTTGTGGGCTCACCAAGACTTACACATTC[A>G]GGTAAAAAGAGAGACCATAAGTAGGTCAATTAGAGCAAACTATGATTGAAGTTCAAGTTT-3'
Protein context (NP_005553.2, residues 308-328): PCGLTKTYTF[Arg318Gly]LNEHPSNNWS